The following is an entry in ClinVar:

ClinVar aggregate classification (germline): Conflicting classifications of pathogenicity. Review status: criteria provided, conflicting classifications (1 of 4 stars). 5 submissions from 5 submitters: Uncertain significance (1); Likely benign (4). Last evaluated 2025-07-14.

Conditions:
Hereditary cancer-predisposing syndrome. Also called: Neoplastic Syndromes, Hereditary; Tumor predisposition; Hereditary Cancer Syndrome; Hereditary neoplastic syndrome. Identifiers: Orphanet 140162, MedGen C0027672, MeSH D009386, MONDO:0015356.
Familial adenomatous polyposis 2. Also called: Adenomas, multiple colorectal; COLORECTAL ADENOMATOUS POLYPOSIS, AUTOSOMAL RECESSIVE; ADENOMAS, MULTIPLE COLORECTAL, AUTOSOMAL RECESSIVE; MYH-associated polyposis; MUTYH Polyposis; FAP type 2. Identifiers: Orphanet 220460, Orphanet 247798, MedGen C3272841, MONDO:0012041, OMIM 608456.

Submissions (5):

Women's Health and Genetics/Laboratory Corporation of America, LabCorp
Classification: Likely benign. Last evaluated: 2025-07-14. Review status: criteria provided, single submitter. Criteria: LabCorp Variant Classification Summary - May 2015. Collection method: clinical testing. Allele origin: germline.

Labcorp Genetics (formerly Invitae), Labcorp
Classification: Likely benign for Familial adenomatous polyposis 2. Last evaluated: 2024-04-15. Review status: criteria provided, single submitter. Criteria: Invitae Variant Classification Sherloc (09022015). Collection method: clinical testing. Allele origin: germline.

GeneDx
Classification: Uncertain significance. Last evaluated: 2019-09-19. Review status: criteria provided, single submitter. Criteria: GeneDx Variant Classification Process June 2021. Collection method: clinical testing. Allele origin: germline. Affected: yes.
Comment: Not observed in large population cohorts (Lek 2016); Has not been previously published as pathogenic or benign to our knowledge; In-silico analysis, which includes splice predictors and evolutionary conservation, is inconclusive as to whether the variant alters gene splicing. In the absence of RNA/functional studies, the actual effect of this sequence change is unknown.

Color Diagnostics, LLC DBA Color Health
Classification: Likely benign for Hereditary cancer-predisposing syndrome. Last evaluated: 2019-09-05. Review status: criteria provided, single submitter. Criteria: ACMG Guidelines, 2015. Collection method: clinical testing. Allele origin: germline.

Ambry Genetics
Classification: Likely benign for Hereditary cancer-predisposing syndrome. Last evaluated: 2014-12-31. Review status: criteria provided, single submitter. Criteria: Ambry Variant Classification Scheme 2023. Collection method: clinical testing. Allele origin: germline.

NM_001048174.2(MUTYH):c.165A>T (p.Ser55=)

Gene: MUTYH (mutY DNA glycosylase; minus strand). Cytogenetic location: 1p34.1.
Variant type: single nucleotide variant.
Coding change: c.165A>T on transcript NM_001048174.2 (MANE Select); coding-DNA position 165, A replaced by T.
Protein change: p.Ser55=; no amino-acid change (serine 55 retained).
Molecular consequence: synonymous variant. On other transcripts: 5 prime UTR variant (1), non-coding transcript variant (2), intron variant (3).
Genome position (GRCh38, 1-based): chr1:45,333,512, T>A on the plus strand (A>T on the coding strand, the complement: MUTYH is on the minus strand). VCF-style: chr1-45333512-T-A. GRCh37 (hg19) VCF-style: chr1-45799184-T-A.
Other names: c.165A>T, p.Ser55= (NM_001048171.2, NM_001048173.2, NM_001293195.2); c.168A>T, p.Ser56= (NM_001048172.2); c.249A>T, p.Ser83= (NM_001128425.2); c.210A>T, p.Ser70= (NM_001293190.2); c.198A>T, p.Ser66= (NM_001293191.2); c.-107A>T (NM_001350650.2); c.240A>T, p.Ser80= (NM_012222.3); c.-92-15A>T (NM_001350651.2); and 1 more.
Identifiers: ClinVar variation 187750 (VCV000187750.17), dbSNP rs786203971, ClinGen allele CA013261.